The following is an entry in ClinVar:

ClinVar aggregate classification (germline): Uncertain significance. Review status: criteria provided, multiple submitters, no conflicts (2 of 4 stars). 2 submissions from 2 submitters: Uncertain significance (2). Last evaluated 2025-10-03.

Allele frequency attached by ClinVar (database versions not stated): gnomAD 0.00005 and 0.00006; TOPMed 0.00007.
gnomAD v4.1: 210 of 1,612,706 alleles (0.013%); highest among the groups gnomAD compares: South Asian, 0.082%; no homozygotes.

Submissions (2):

Labcorp Genetics (formerly Invitae), Labcorp
Classification: Uncertain significance. Last evaluated: 2025-10-03. Review status: criteria provided, single submitter. Criteria: Invitae Variant Classification Sherloc (09022015). Collection method: clinical testing. Allele origin: germline.
Comment: This sequence change replaces threonine, which is neutral and polar, with methionine, which is neutral and non-polar, at codon 104 of the MS4A1 protein (p.Thr104Met). This variant is present in population databases (rs201665706, gnomAD 0.07%), and has an allele count higher than expected for a pathogenic variant. This variant has not been reported in the literature in individuals affected with MS4A1-related conditions. ClinVar contains an entry for this variant (Variation ID: 1438627). An algorithm developed to predict the effect of missense changes on protein structure and function (PolyPhen-2) suggests that this variant is likely to be disruptive. In summary, the available evidence is currently insufficient to determine the role of this variant in disease. Therefore, it has been classified as a Variant of Uncertain Significance.

Ambry Genetics
Classification: Uncertain significance. Last evaluated: 2025-08-25. Review status: criteria provided, single submitter. Criteria: Ambry Variant Classification Scheme 2023. Collection method: clinical testing. Allele origin: germline.

NM_152866.3(MS4A1):c.311C>T (p.Thr104Met)

Gene: MS4A1 (membrane spanning 4-domains A1; plus strand). Cytogenetic location: 11q12.2.
Variant type: single nucleotide variant.
Coding change: c.311C>T on transcript NM_152866.3 (MANE Select); coding-DNA position 311, C replaced by T.
Protein change: p.Thr104Met; replaces threonine 104 with methionine.
Molecular consequence: missense variant.
Genome position (GRCh38, 1-based): chr11:60,464,319, C>T. VCF-style: chr11-60464319-C-T. GRCh37 (hg19) VCF-style: chr11-60231792-C-T.
Other names: c.311C>T, p.Thr104Met (NM_021950.4, NM_152867.2); c.311C>T (NM_152866.2); short protein forms T104M.
Identifiers: ClinVar variation 1438627 (VCV001438627.8), dbSNP rs201665706, ClinGen allele CA6024945.